The following is an entry in ClinVar:

ClinVar aggregate classification (germline): Conflicting classifications of pathogenicity. Review status: criteria provided, conflicting classifications (1 of 4 stars). 3 submissions from 3 submitters: Uncertain significance (1); Likely benign (1). 1 of the submissions does not count toward it. Last evaluated 2025-12-14.

Conditions:
ALG9 congenital disorder of glycosylation (CDG1L). Also called: CDG Il; CONGENITAL DISORDER OF GLYCOSYLATION, TYPE Il; ALG9-CDG. Identifiers: Orphanet 79328, MedGen C2931006, MONDO:0012117, OMIM 608776.
ATP6V0A2-related disorder. Also called: ATP6V0A2-related condition.
Cutis laxa with osteodystrophy (ARCL2A). Also called: Debré-Type Cutis Laxa; CUTIS LAXA WITH CONGENITAL DISORDER OF GLYCOSYLATION; CUTIS LAXA, AUTOSOMAL RECESSIVE, TYPE IIA; CUTIS LAXA WITH BONE DYSTROPHY; CUTIS LAXA WITH GROWTH AND DEVELOPMENTAL DELAY; CUTIS LAXA WITH JOINT LAXITY AND RETARDED DEVELOPMENT. Identifiers: Orphanet 357058, MedGen C0268355, MONDO:0018163, OMIM 219200. Disease mechanism: loss of function.

Allele frequency attached by ClinVar (database versions not stated): TOPMed 0.00001; gnomAD exomes 0.00011; ExAC 0.00012; 1000 Genomes Project 0.00020; 1000 Genomes Project 30x 0.00031.
gnomAD v4.1: 54 of 1,611,096 alleles (0.0034%); highest among the groups gnomAD compares: South Asian, 0.057%; no homozygotes.

Submissions (3):

Labcorp Genetics (formerly Invitae), Labcorp
Classification: Likely benign for ALG9 congenital disorder of glycosylation. Last evaluated: 2025-12-14. Review status: criteria provided, single submitter. Criteria: Invitae Variant Classification Sherloc (09022015). Collection method: clinical testing. Allele origin: germline.

Illumina Laboratory Services, Illumina
Classification: Uncertain significance for Cutis laxa with osteodystrophy. Last evaluated: 2018-01-12. Review status: criteria provided, single submitter. Criteria: ICSL Variant Classification Criteria 13 December 2019. Collection method: clinical testing. Allele origin: germline.

PreventionGenetics, part of Exact Sciences
Classification: Likely benign for ATP6V0A2-related condition. Last evaluated: 2019-06-28. Review status: no assertion criteria provided. Collection method: clinical testing. Allele origin: germline. Not counted in ClinVar's aggregate classification.
Comment: This variant is classified as likely benign based on ACMG/AMP sequence variant interpretation guidelines (Richards et al. 2015 PMID: 25741868, with internal and published modifications).

NM_012463.4(ATP6V0A2):c.2505C>G (p.Thr835=)

Gene: ATP6V0A2 (ATPase H+ transporting V0 subunit a2; plus strand). Cytogenetic location: 12q24.31.
Variant type: single nucleotide variant.
Coding change: c.2505C>G on transcript NM_012463.4 (MANE Select); coding-DNA position 2505, C replaced by G.
Protein change: p.Thr835=; no amino-acid change (threonine 835 retained).
Molecular consequence: synonymous variant.
Genome position (GRCh38, 1-based): chr12:123,757,966, C>G. VCF-style: chr12-123757966-C-G. GRCh37 (hg19) VCF-style: chr12-124242513-C-G.
Identifiers: ClinVar variation 307598 (VCV000307598.8), dbSNP rs535703391, ClinGen allele CA6862279.